The following is an entry in ClinVar:

NM_002485.5(NBN):c.1036G>T (p.Val346Leu)

Gene: NBN (nibrin; minus strand). Cytogenetic location: 8q21.3.
Variant type: single nucleotide variant.
Coding change: c.1036G>T on transcript NM_002485.5 (MANE Select); coding-DNA position 1036, G replaced by T.
Protein change: p.Val346Leu; replaces valine 346 with leucine.
Molecular consequence: missense variant.
Genome position (GRCh38, 1-based): chr8:89,958,813, C>A on the plus strand (G>T on the coding strand, the complement: NBN is on the minus strand). VCF-style: chr8-89958813-C-A. GRCh37 (hg19) VCF-style: chr8-90971041-C-A.
Other names: c.790G>T, p.Val264Leu (NM_001024688.3); short protein forms V346L, V264L.
Identifiers: ClinVar variation 1772745 (VCV001772745.4), dbSNP rs200297914, ClinGen allele CA371656741.

ClinVar aggregate classification (germline): Conflicting classifications of pathogenicity. Review status: criteria provided, conflicting classifications (1 of 4 stars). 2 submissions from 2 submitters: Uncertain significance (1); Likely benign (1). Last evaluated 2024-05-21.

Conditions:
Microcephaly, normal intelligence and immunodeficiency (NBS). Also called: IMMUNODEFICIENCY, MICROCEPHALY, AND CHROMOSOMAL INSTABILITY; SEEMANOVA SYNDROME II; Nijmegen breakage syndrome; Microcephaly with normal intelligence immunodeficiency and lymphoreticular malignancies; Nonsyndromal microcephaly autosomal recessive with normal intelligence; Seemanova syndrome 2. Identifiers: Orphanet 647, MedGen C0398791, MONDO:0009623, OMIM 251260.
Hereditary cancer-predisposing syndrome. Also called: Tumor predisposition; Neoplastic Syndromes, Hereditary; Hereditary Cancer Syndrome; Hereditary neoplastic syndrome. Identifiers: Orphanet 140162, MedGen C0027672, MeSH D009386, MONDO:0015356.

Submissions (2):

Labcorp Genetics (formerly Invitae), Labcorp
Classification: Uncertain significance for Microcephaly, normal intelligence and immunodeficiency. Last evaluated: 2024-05-21. Review status: criteria provided, single submitter. Criteria: Invitae Variant Classification Sherloc (09022015). Collection method: clinical testing. Allele origin: germline.
Comment: This sequence change replaces valine, which is neutral and non-polar, with leucine, which is neutral and non-polar, at codon 346 of the NBN protein (p.Val346Leu). This variant is not present in population databases (gnomAD no frequency). This variant has not been reported in the literature in individuals affected with NBN-related conditions. ClinVar contains an entry for this variant (Variation ID: 1772745). Algorithms developed to predict the effect of missense changes on protein structure and function output the following: SIFT: "Not Available"; PolyPhen-2: "Benign"; Align-GVGD: "Not Available". The leucine amino acid residue is found in multiple mammalian species, which suggests that this missense change does not adversely affect protein function. In summary, the available evidence is currently insufficient to determine the role of this variant in disease. Therefore, it has been classified as a Variant of Uncertain Significance.

Ambry Genetics
Classification: Likely benign for Hereditary cancer-predisposing syndrome. Last evaluated: 2022-02-15. Review status: criteria provided, single submitter. Criteria: Ambry Variant Classification Scheme 2023. Collection method: clinical testing. Allele origin: germline.